The following is an entry in ClinVar:

ClinVar aggregate classification (germline): Uncertain significance. Review status: criteria provided, multiple submitters, no conflicts (2 of 4 stars). 4 submissions from 4 submitters: Uncertain significance (4). Last evaluated 2025-09-19.

Conditions:
Hereditary cancer-predisposing syndrome. Also called: Neoplastic Syndromes, Hereditary; Hereditary Cancer Syndrome; Tumor predisposition; Hereditary neoplastic syndrome. Identifiers: Orphanet 140162, MedGen C0027672, MeSH D009386, MONDO:0015356.

Allele frequency attached by ClinVar (database versions not stated): ExAC 0.00001; gnomAD exomes 0.00001 and 0.00002; gnomAD 0.00002; TOPMed 0.00002; ESP Exome Variant Server 0.00008.
gnomAD v4.1: 21 of 1,614,096 alleles (0.0013%); highest among the groups gnomAD compares: South Asian, 0.0044%; no homozygotes.

Submissions (4):

Labcorp Genetics (formerly Invitae), Labcorp
Classification: Uncertain significance. Last evaluated: 2025-09-19. Review status: criteria provided, single submitter. Criteria: Invitae Variant Classification Sherloc (09022015). Collection method: clinical testing. Allele origin: germline.
Comment: This sequence change replaces arginine, which is basic and polar, with glutamine, which is neutral and polar, at codon 37 of the POLE protein (p.Arg37Gln). This variant is present in population databases (rs377002290, gnomAD 0.003%). This variant has not been reported in the literature in individuals affected with POLE-related conditions. ClinVar contains an entry for this variant (Variation ID: 572385). Invitae Evidence Modeling of protein sequence and biophysical properties (such as structural, functional, and spatial information, amino acid conservation, physicochemical variation, residue mobility, and thermodynamic stability) indicates that this missense variant is not expected to disrupt POLE protein function with a negative predictive value of 80%. In summary, the available evidence is currently insufficient to determine the role of this variant in disease. Therefore, it has been classified as a Variant of Uncertain Significance.

Ambry Genetics
Classification: Uncertain significance for Hereditary cancer-predisposing syndrome. Last evaluated: 2024-12-21. Review status: criteria provided, single submitter. Criteria: Ambry Variant Classification Scheme 2023. Collection method: clinical testing. Allele origin: germline.
Comment: The p.R37Q variant (also known as c.110G>A), located in coding exon 2 of the POLE gene, results from a G to A substitution at nucleotide position 110. The arginine at codon 37 is replaced by glutamine, an amino acid with highly similar properties. This amino acid position is conserved. In addition, the in silico prediction for this alteration is inconclusive. Based on the available evidence, the clinical significance of this variant remains unclear.

Institute for Clinical Genetics, University Hospital TU Dresden, University Hospital TU Dresden
Classification: Uncertain significance. Last evaluated: 2021-11-03. Review status: criteria provided, single submitter. Criteria: ACMG Guidelines, 2015. Collection method: clinical testing. Allele origin: germline.

GeneDx
Classification: Uncertain significance. Last evaluated: 2020-02-11. Review status: criteria provided, single submitter. Criteria: GeneDx Variant Classification Process June 2021. Collection method: clinical testing. Allele origin: germline. Affected: yes.
Comment: In silico analysis supports that this missense variant does not alter protein structure/function; Has not been previously published as pathogenic or benign to our knowledge

NM_006231.4(POLE):c.110G>A (p.Arg37Gln)

Gene: POLE (DNA polymerase epsilon, catalytic subunit; minus strand). Cytogenetic location: 12q24.33.
Variant type: single nucleotide variant.
Coding change: c.110G>A on transcript NM_006231.4 (MANE Select); coding-DNA position 110, G replaced by A.
Protein change: p.Arg37Gln; replaces arginine 37 with glutamine.
Molecular consequence: missense variant.
Genome position (GRCh38, 1-based): chr12:132,681,232, C>T on the plus strand (G>A on the coding strand, the complement: POLE is on the minus strand). VCF-style: chr12-132681232-C-T. GRCh37 (hg19) VCF-style: chr12-133257818-C-T.
Other names: c.110G>A (NM_006231.2); short protein forms R37Q.
Identifiers: ClinVar variation 572385 (VCV000572385.16), dbSNP rs377002290, ClinGen allele CA6894442.